The following is an entry in ClinVar:

NM_000138.5(FBN1):c.4459+3A>C

Gene: FBN1 (fibrillin 1; minus strand). Cytogenetic location: 15q21.1.
Variant type: single nucleotide variant.
Coding change: c.4459+3A>C on transcript NM_000138.5 (MANE Select); 3 bases into the intron after coding-DNA position 4459, A replaced by C.
Molecular consequence: intron variant.
Genome position (GRCh38, 1-based): chr15:48,470,631, T>G on the plus strand (A>C on the coding strand, the complement: FBN1 is on the minus strand). VCF-style: chr15-48470631-T-G. GRCh37 (hg19) VCF-style: chr15-48762828-T-G.
Other names: c.4459+3A>C (NM_001406716.1).
Identifiers: ClinVar variation 2954350 (VCV002954350.3), dbSNP rs397515809, ClinGen allele CA2740096590.
Genomic context (GRCh38, chr15:48,470,631, plus strand): 5'-GCTCCAATAGCTGGGTCCCCCGGGACACCAGGGAGCTGATTTTGATGCCAGTGGAGGTCT[T>G]ACCTGTGCAGTTCCCGCCGCTTCTGTCCAGTTCGTAGCCTATCTCACACTCACAGCGGAA-3'

ClinVar aggregate classification (germline): Uncertain significance (1 of 4 stars; one submission).

Conditions:
Marfan syndrome (MFS). Also called: MARFAN SYNDROME, TYPE I; Marfan syndrome type 1; Marfan's syndrome; Marfan syndrome, classic; FBN1-Related Marfan Syndrome. Identifiers: Orphanet 284963, Orphanet 558, MedGen C0024796, MONDO:0007947, OMIM 154700.
Familial thoracic aortic aneurysm and aortic dissection (TAAD). Also called: Thoracic aortic aneurysms and dissections. Identifiers: Orphanet 91387, MedGen C4707243, MONDO:0019625.

Submission:

Labcorp Genetics (formerly Invitae), Labcorp
Classification: Uncertain significance for Marfan syndrome; Familial thoracic aortic aneurysm and aortic dissection. Last evaluated: 2025-03-31. Review status: criteria provided, single submitter. Criteria: Invitae Variant Classification Sherloc (09022015). Collection method: clinical testing. Allele origin: germline.
Comment: This sequence change falls in intron 36 of the FBN1 gene. It does not directly change the encoded amino acid sequence of the FBN1 protein. It affects a nucleotide within the consensus splice site. This variant is not present in population databases (gnomAD no frequency). This variant has not been reported in the literature in individuals affected with FBN1-related conditions. ClinVar contains an entry for this variant (Variation ID: 2954350). Variants that disrupt the consensus splice site are a relatively common cause of aberrant splicing (PMID: 17576681, 9536098). Algorithms developed to predict the effect of sequence changes on RNA splicing suggest that this variant may disrupt the consensus splice site. In summary, the available evidence is currently insufficient to determine the role of this variant in disease. Therefore, it has been classified as a Variant of Uncertain Significance.

Literature cited by the submitters: PubMed 17576681; PubMed 9536098.